The following is an entry in ClinVar:

ClinVar aggregate classification (germline): Likely benign. Review status: criteria provided, multiple submitters, no conflicts (2 of 4 stars). 3 submissions from 3 submitters: Likely benign (3). Last evaluated 2024-11-20.

Conditions:
FMN2-related disorder. Also called: FMN2-related condition.

Submissions (3):

Blueprint Genetics
Classification: Likely benign. Last evaluated: 2024-11-20. Review status: criteria provided, single submitter. Criteria: ACMG Guidelines, 2015. Collection method: clinical testing. Allele origin: germline.

CeGaT Center for Human Genetics Tuebingen
Classification: Likely benign. Last evaluated: 2024-05-01. Review status: criteria provided, single submitter. Criteria: CeGaT Center For Human Genetics Tuebingen Variant Classification Criteria Version 2. Collection method: clinical testing. Allele origin: germline. Affected: yes. Observed: 22 variant alleles.
Comment: FMN2: BP4, BP7

PreventionGenetics, part of Exact Sciences
Classification: Likely benign for FMN2-related condition. Last evaluated: 2020-06-05. Review status: criteria provided, single submitter. Criteria: ACMG Guidelines, 2015. Collection method: clinical testing. Allele origin: germline.
Comment: This variant is classified as likely benign based on ACMG/AMP sequence variant interpretation guidelines (Richards et al. 2015 PMID: 25741868, with internal and published modifications).

NM_020066.5(FMN2):c.3192T>C (p.Pro1064=)

Gene: FMN2 (formin 2; plus strand). Cytogenetic location: 1q43.
Variant type: single nucleotide variant.
Coding change: c.3192T>C on transcript NM_020066.5 (MANE Select); coding-DNA position 3192, T replaced by C.
Protein change: p.Pro1064=; no amino-acid change (proline 1064 retained).
Molecular consequence: synonymous variant. On other transcripts: intron variant (1).
Genome position (GRCh38, 1-based): chr1:240,208,004, T>C. VCF-style: chr1-240208004-T-C. GRCh37 (hg19) VCF-style: chr1-240371304-T-C.
Other names: c.3204T>C, p.Pro1068= (NM_001305424.2); c.1986+19742T>C (NM_001348094.2); c.3192T>C (NM_020066.4).
Identifiers: ClinVar variation 2498451 (VCV002498451.30), dbSNP rs71646894, ClinGen allele CA1477021.